The following is an entry in ClinVar:

NM_000138.5(FBN1):c.4818_4826del

Gene: FBN1 (fibrillin 1; minus strand). Cytogenetic location: 15q21.1.
Variant type: Deletion.
Coding change: c.4818_4826del on transcript NM_000138.5 (MANE Select); coding-DNA positions 4818 to 4826, 9 bases deleted (TATTGATGA; older notation c.4818_4826delTATTGATGA).
Molecular consequence: splice acceptor variant.
Genome position (GRCh38, 1-based): chr15:48,465,684-48,465,692, TCATCAATA deleted on the plus strand (TATTGATGA on the coding strand, the reverse complement: FBN1 is on the minus strand); deleting any 9 consecutive bases within chr15:48,465,684-48,465,694 gives the same sequence; the c. name uses the placement nearest the transcript's 3' end. VCF-style (leftmost placement, unchanged base first): chr15-48465683-CTCATCAATA-C. GRCh37 (hg19) VCF-style: chr15-48757880-CTCATCAATA-C.
Identifiers: ClinVar variation 3600241 (VCV003600241.1).

ClinVar aggregate classification (germline): Likely pathogenic (0 of 4 stars; one submission).

Conditions:
Marfan syndrome (MFS). Also called: MARFAN SYNDROME, TYPE I; Marfan syndrome type 1; Marfan's syndrome; FBN1-Related Marfan Syndrome; Marfan syndrome, classic. Identifiers: Orphanet 284963, Orphanet 558, MedGen C0024796, MONDO:0007947, OMIM 154700.

Submission:

Department of Laboratory Medicine and Genetics, Samsung Medical Center
Classification: Likely pathogenic for Marfan syndrome. Last evaluated: 2025-01-02. Review status: no assertion criteria provided. Collection method: clinical testing. Allele origin: germline. Affected: yes.
Comment: The NM_000138.5:c.4818_4826del, in-frame deletion variant is considered to be rare in the general population database (gnomAD v2.1.1). According to the ClinGen guidance for PP1/BS4 and PP4 criteria (PMID: 38103548), PP4 with weighted strength was applied. In summary, this variant was classified as a likely pathogenic variant for Marfan syndrome (PM4, PP4 with weighted strength, PM2_P).

Literature cited by the submitters: PubMed 37558401.